The following is an entry in ClinVar:

ClinVar aggregate classification (germline): Uncertain significance (1 of 4 stars; one submission).

Conditions:
Neurodevelopmental disorder with or without hyperkinetic movements and seizures, autosomal dominant. Also called: Intellectual disability, autosomal dominant 8. Identifiers: MedGen C3280282, MONDO:0013655, OMIM 614254.

Submission:

Labcorp Genetics (formerly Invitae), Labcorp
Classification: Uncertain significance for Neurodevelopmental disorder with or without hyperkinetic movements and seizures, autosomal dominant. Last evaluated: 2022-11-15. Review status: criteria provided, single submitter. Criteria: Invitae Variant Classification Sherloc (09022015). Collection method: clinical testing. Allele origin: germline.
Comment: This variant has not been reported in the literature in individuals affected with GRIN1-related conditions. Advanced modeling of protein sequence and biophysical properties (such as structural, functional, and spatial information, amino acid conservation, physicochemical variation, residue mobility, and thermodynamic stability) has been performed at Invitae for this missense variant, however the output from this modeling did not meet the statistical confidence thresholds required to predict the impact of this variant on GRIN1 protein function. In summary, the available evidence is currently insufficient to determine the role of this variant in disease. Therefore, it has been classified as a Variant of Uncertain Significance. This sequence change replaces leucine, which is neutral and non-polar, with methionine, which is neutral and non-polar, at codon 657 of the GRIN1 protein (p.Leu657Met). This variant is not present in population databases (gnomAD no frequency).

NM_007327.4(GRIN1):c.1969C>A (p.Leu657Met)

Gene: GRIN1 (glutamate ionotropic receptor NMDA type subunit 1; plus strand). Cytogenetic location: 9q34.3.
Variant type: single nucleotide variant.
Coding change: c.1969C>A on transcript NM_007327.4 (MANE Select); coding-DNA position 1969, C replaced by A.
Protein change: p.Leu657Met; replaces leucine 657 with methionine.
Molecular consequence: missense variant.
Genome position (GRCh38, 1-based): chr9:137,162,695, C>A. VCF-style: chr9-137162695-C-A. GRCh37 (hg19) VCF-style: chr9-140057147-C-A.
Other names: c.1969C>A, p.Leu657Met (NM_000832.7, NM_021569.4); c.2032C>A, p.Leu678Met (NM_001185090.2, NM_001185091.2); short protein forms L657M, L678M.
Identifiers: ClinVar variation 2000244 (VCV002000244.4), dbSNP rs2538641088, ClinGen allele CA375721149.
Genomic context (GRCh38, chr9:137,162,695, plus strand): 5'-GCCGGCTTTGCCATGATCATCGTGGCCTCCTACACCGCCAACCTGGCGGCCTTCCTGGTG[C>A]TGGACCGGCCGGAGGAGCGCATCACGGGCATCAACGACCCTCGGGTGAGGCCTGGCCGGG-3'
Protein context (NP_015566.1, residues 647-667): YTANLAAFLV[Leu657Met]DRPEERITGI